The following is an entry in ClinVar:

ClinVar aggregate classification (germline): Uncertain significance (1 of 4 stars; one submission).

Submission:

Ambry Genetics
Classification: Uncertain significance. Last evaluated: 2024-10-14. Review status: criteria provided, single submitter. Criteria: Ambry Variant Classification Scheme 2023. Collection method: clinical testing. Allele origin: germline.
Comment: The p.F31V variant (also known as c.91T>G), located in coding exon 1 of the TERF2IP gene, results from a T to G substitution at nucleotide position 91. The phenylalanine at codon 31 is replaced by valine, an amino acid with highly similar properties. This amino acid position is conserved. In addition, this alteration is predicted to be deleterious by in silico analysis. Based on the available evidence, the clinical significance of this variant remains unclear.

NM_018975.4(TERF2IP):c.91T>G (p.Phe31Val)

Gene: TERF2IP (TERF2 interacting protein; plus strand). Cytogenetic location: 16q23.1.
Variant type: single nucleotide variant.
Coding change: c.91T>G on transcript NM_018975.4 (MANE Select); coding-DNA position 91, T replaced by G.
Protein change: p.Phe31Val; replaces phenylalanine 31 with valine.
Molecular consequence: missense variant. On other transcripts: non-coding transcript variant (1).
Genome position (GRCh38, 1-based): chr16:75,647,973, T>G. VCF-style: chr16-75647973-T-G. GRCh37 (hg19) VCF-style: chr16-75681871-T-G.
Other names: short protein forms F31V.
Identifiers: ClinVar variation 3455126 (VCV003455126.1).